The following is an entry in ClinVar:

NM_001754.5(RUNX1):c.1117T>G (p.Ser373Ala)

Gene: RUNX1 (RUNX family transcription factor 1; minus strand). Cytogenetic location: 21q22.12.
Variant type: single nucleotide variant.
Coding change: c.1117T>G on transcript NM_001754.5 (MANE Select); coding-DNA position 1117, T replaced by G.
Protein change: p.Ser373Ala; replaces serine 373 with alanine.
Molecular consequence: missense variant.
Genome position (GRCh38, 1-based): chr21:34,792,461, A>C on the plus strand (T>G on the coding strand, the complement: RUNX1 is on the minus strand). VCF-style: chr21-34792461-A-C. GRCh37 (hg19) VCF-style: chr21-36164758-A-C.
Other names: NM_001754.5(RUNX1):c.1117T>G; p.Ser373Ala; c.1036T>G, p.Ser346Ala (NM_001001890.3); short protein forms S373A, S346A.
Identifiers: ClinVar variation 3791517 (VCV003791517.1).

ClinVar aggregate classification (germline): Uncertain significance. Review status: reviewed by expert panel (3 of 4 stars). 2 submissions from 2 submitters: Uncertain significance (1). 1 of the submissions does not count toward it. Last evaluated 2025-07-11.

Conditions:
Inborn genetic diseases. Identifiers: MedGen C0950123, MeSH D030342.
Hereditary thrombocytopenia and hematologic cancer predisposition syndrome. Identifiers: Orphanet 71290, MedGen CN281654, MONDO:0011071.

Submissions (2):

ClinGen Myeloid Malignancy Variant Curation Expert Panel
Classification: Uncertain significance for Hereditary thrombocytopenia and hematologic cancer predisposition syndrome. Last evaluated: 2025-07-11. Review status: reviewed by expert panel. Criteria: ClinGen MyeloMalig ACMG Specifications v2. Collection method: curation. Allele origin: germline. Inheritance: Autosomal dominant inheritance.
Comment: NM_001754.5(RUNX1):c.1117T>G (p.Ser373Ala) is a missense variant which has a REVEL score < 0.50 (0.262), and a SpliceAI score ≤ 0.20 (0.0) (BP4). This variant is completely absent from all population databases with at least 20x coverage for RUNX1 (PM2_supporting). In summary, the clinical significance of this variant is uncertain. ACMG/AMP criteria applied, as specified by the Myeloid Malignancy Variant Curation Expert Panel for RUNX1: BP4, PM2_supporting.

Ambry Genetics
Classification: Uncertain significance for Inborn genetic diseases. Last evaluated: 2025-03-04. Review status: criteria provided, single submitter. Criteria: Ambry Variant Classification Scheme 2023. Collection method: clinical testing. Allele origin: germline. Not counted in ClinVar's aggregate classification.
Comment: The p.S373A variant (also known as c.1117T>G), located in coding exon 8 of the RUNX1 gene, results from a T to G substitution at nucleotide position 1117. The serine at codon 373 is replaced by alanine, an amino acid with similar properties. This amino acid position is not well conserved in available vertebrate species. In addition, the in silico prediction for this alteration is inconclusive. Based on the available evidence, the clinical significance of this variant remains unclear.